The following is an entry in ClinVar:

NM_000051.4(ATM):c.7062G>C (p.Ala2354=)

Genes: ATM (ATM serine/threonine kinase; plus strand), C11orf65 (chromosome 11 open reading frame 65; minus strand). Cytogenetic location: 11q22.3.
Variant type: single nucleotide variant.
Coding change: c.7062G>C on transcript NM_000051.4 (MANE Select); coding-DNA position 7062, G replaced by C.
Protein change: p.Ala2354=; no amino-acid change (alanine 2354 retained).
Molecular consequence: synonymous variant. On other transcripts: intron variant (2).
Genome position (GRCh38, 1-based): chr11:108,327,731, G>C. VCF-style: chr11-108327731-G-C. GRCh37 (hg19) VCF-style: chr11-108198458-G-C.
Other names: c.7062G>C, p.Ala2354= (NM_001351834.2); c.641-18660C>G (NM_001330368.2); c.*38+7489C>G (NM_001351110.2).
Identifiers: ClinVar variation 414557 (VCV000414557.16), dbSNP rs143489373, ClinGen allele CA16613484.

ClinVar aggregate classification (germline): Benign/Likely benign. Review status: criteria provided, multiple submitters, no conflicts (2 of 4 stars). 4 submissions from 4 submitters: Benign (1); Likely benign (3). Last evaluated 2025-07-30.

Conditions:
Hereditary cancer-predisposing syndrome. Also called: Neoplastic Syndromes, Hereditary; Hereditary Cancer Syndrome; Tumor predisposition; Hereditary neoplastic syndrome. Identifiers: Orphanet 140162, MedGen C0027672, MeSH D009386, MONDO:0015356.
Familial cancer of breast. Also called: Hereditary breast cancer; BREAST CANCER, FAMILIAL; hereditary breast carcinoma. Identifiers: Orphanet 227535, MedGen C0346153, MONDO:0016419, OMIM 114480. Disease mechanism: loss of function.
Ataxia-telangiectasia syndrome (AT). Also called: LOUIS-BAR SYNDROME; Cerebello-oculocutaneous telangiectasia; Immunodeficiency with ataxia telangiectasia; Ataxia-telangiectasia, complementation group D; AT, COMPLEMENTATION GROUP C; Ataxia-telangiectasia, complementation group E. Identifiers: Orphanet 100, MedGen C0004135, MONDO:0008840, OMIM 208900.

gnomAD v4.1: 3 of 1,613,702 alleles (0.00019%); highest among the groups gnomAD compares: African/African-American, 0.0013%; no homozygotes.

Submissions (4):

Labcorp Genetics (formerly Invitae), Labcorp
Classification: Likely benign for Ataxia-telangiectasia syndrome. Last evaluated: 2025-07-30. Review status: criteria provided, single submitter. Criteria: Invitae Variant Classification Sherloc (09022015). Collection method: clinical testing. Allele origin: germline.

Myriad Genetics, Inc.
Classification: Benign for Familial cancer of breast. Last evaluated: 2024-06-12. Review status: criteria provided, single submitter. Criteria: Myriad Autosomal Dominant, Autosomal Recessive and X-Linked Classification Criteria (2023). Collection method: clinical testing. Allele origin: unknown.
Comment: This variant is considered benign. This variant is a silent/synonymous amino acid change and it is not expected to impact splicing.

Ambry Genetics
Classification: Likely benign for Hereditary cancer-predisposing syndrome. Last evaluated: 2016-10-10. Review status: criteria provided, single submitter. Criteria: Ambry Variant Classification Scheme 2023. Collection method: clinical testing. Allele origin: germline.

Color Diagnostics, LLC DBA Color Health
Classification: Likely benign for Hereditary cancer-predisposing syndrome. Last evaluated: 2016-07-26. Review status: criteria provided, single submitter. Criteria: ACMG Guidelines, 2015. Collection method: clinical testing. Allele origin: germline.